The following is an entry in ClinVar:

ClinVar aggregate classification (germline): Likely benign. Review status: criteria provided, multiple submitters, no conflicts (2 of 4 stars). 2 submissions from 2 submitters: Likely benign (2). Last evaluated 2026-04-01.

Conditions:
OTOG-related disorder. Also called: OTOG-related condition.

gnomAD v4.1: 26 of 1,550,280 alleles (0.0017%); highest among the groups gnomAD compares: African/African-American, 0.03%; no homozygotes.

Submissions (2):

PreventionGenetics, part of Exact Sciences
Classification: Likely benign for OTOG-related condition. Last evaluated: 2026-04-01. Review status: criteria provided, single submitter. Criteria: ACMG Guidelines, 2015. Collection method: clinical testing. Allele origin: germline.
Comment: This variant is classified as likely benign based on ACMG/AMP sequence variant interpretation guidelines (Richards et al. 2015 PMID: 25741868, with internal and published modifications).

Blueprint Genetics
Classification: Likely benign. Last evaluated: 2024-04-08. Review status: criteria provided, single submitter. Criteria: ACMG Guidelines, 2015. Collection method: clinical testing. Allele origin: germline.

NM_001292063.2(OTOG):c.8011+10G>A

Gene: OTOG (otogelin; plus strand). Cytogenetic location: 11p15.1.
Variant type: single nucleotide variant.
Coding change: c.8011+10G>A on transcript NM_001292063.2 (MANE Select); 10 bases into the intron after coding-DNA position 8011, G replaced by A.
Molecular consequence: intron variant.
Genome position (GRCh38, 1-based): chr11:17,640,830, G>A. VCF-style: chr11-17640830-G-A. GRCh37 (hg19) VCF-style: chr11-17662377-G-A.
Other names: c.8047+10G>A (NM_001277269.2, NM_001277269.1).
Identifiers: ClinVar variation 4910952 (VCV004910952.2).